The following is an entry in ClinVar:

ClinVar aggregate classification (germline): Uncertain significance (1 of 4 stars; one submission).

Allele frequency attached by ClinVar (database versions not stated): gnomAD exomes below 0.00001.
gnomAD v4.1: 1 of 1,614,144 alleles (0.000062%); highest among the groups gnomAD compares: Non-Finnish European, 0.000085%; no homozygotes.

Submission:

Laboratory for Molecular Medicine, Mass General Brigham Personalized Medicine
Classification: Uncertain significance. Last evaluated: 2018-12-19. Review status: criteria provided, single submitter. Criteria: LMM Criteria. Collection method: clinical testing. Allele origin: germline. Observed: 1 variant allele.
Comment: The p.Glu128Gly variant in SERPINB6 has not been previously reported in individu als with hearing loss, but has been identified in 0.0008% (1/113738) of European chromosomes by gnomAD. Computational predict ion tools and conservation analysis suggest that this variant may impact the pro tein, though this information is not predictive enough to determine pathogenicit y. In summary, the clinical significance of this variant is uncertain. ACMG/AMP criteria applied: PM2, PP3.

NM_004568.6(SERPINB6):c.383A>G (p.Glu128Gly)

Gene: SERPINB6 (serpin family B member 6; minus strand). Cytogenetic location: 6p25.2.
Variant type: single nucleotide variant.
Coding change: c.383A>G on transcript NM_004568.6 (MANE Select); coding-DNA position 383, A replaced by G.
Protein change: p.Glu128Gly; replaces glutamic acid 128 with glycine.
Molecular consequence: missense variant. On other transcripts: non-coding transcript variant (1).
Genome position (GRCh38, 1-based): chr6:2,954,639, T>C on the plus strand (A>G on the coding strand, the complement: SERPINB6 is on the minus strand). VCF-style: chr6-2954639-T-C. GRCh37 (hg19) VCF-style: chr6-2954873-T-C.
Other names: c.395A>G, p.Glu132Gly (NM_001195291.3, NM_001374515.1); c.425A>G, p.Glu142Gly (NM_001271822.2); c.440A>G, p.Glu147Gly (NM_001271823.2); c.383A>G, p.Glu128Gly (NM_001271824.2, NM_001271825.2, NM_001297699.2 and 2 more transcripts); c.251A>G, p.Glu84Gly (NM_001374517.1); short protein forms E128G, E147G, E132G, E142G, E84G.
Identifiers: ClinVar variation 667325 (VCV000667325.4), dbSNP rs1329989490, ClinGen allele CA362583753.